The following is an entry in ClinVar:

ClinVar aggregate classification (germline): Uncertain significance (1 of 4 stars; one submission).

Conditions:
Familial thoracic aortic aneurysm and aortic dissection (TAAD). Also called: Thoracic aortic aneurysms and dissections. Identifiers: Orphanet 91387, MedGen C4707243, MONDO:0019625.

gnomAD v4.1: 2 of 1,613,808 alleles (0.00012%); highest among the groups gnomAD compares: African/African-American, 0.0013%; no homozygotes.

Submission:

Ambry Genetics
Classification: Uncertain significance for Familial thoracic aortic aneurysm and aortic dissection. Last evaluated: 2023-11-01. Review status: criteria provided, single submitter. Criteria: Ambry Variant Classification Scheme 2023. Collection method: clinical testing. Allele origin: germline.
Comment: The p.E1866Q variant (also known as c.5596G>C), located in coding exon 38 of the MYH11 gene, results from a G to C substitution at nucleotide position 5596. The glutamic acid at codon 1866 is replaced by glutamine, an amino acid with highly similar properties. This amino acid position is conserved. In addition, this alteration is predicted to be tolerated by in silico analysis. Since supporting evidence is limited at this time, the clinical significance of this alteration remains unclear.

NM_002474.3(MYH11):c.5596G>C (p.Glu1866Gln)

Genes: NDE1 (nudE neurodevelopment protein 1; plus strand), MYH11 (myosin heavy chain 11; minus strand). Cytogenetic location: 16p13.11.
Variant type: single nucleotide variant.
Coding change: c.5596G>C on transcript NM_002474.3 (MANE Select); coding-DNA position 5596, G replaced by C.
Protein change: p.Glu1866Gln; replaces glutamic acid 1866 with glutamine.
Molecular consequence: missense variant. On other transcripts: intron variant (2).
Genome position (GRCh38, 1-based): chr16:15,715,181, C>G on the plus strand (G>C on the coding strand, the complement: MYH11 is on the minus strand). VCF-style: chr16-15715181-C-G. GRCh37 (hg19) VCF-style: chr16-15809038-C-G.
Other names: c.5617G>C, p.Glu1873Gln (NM_001040113.2, NM_001040114.2); c.5596G>C, p.Glu1866Gln (NM_022844.3); c.948-9010C>G (NM_001143979.2, NM_017668.3); short protein forms E1866Q, E1873Q.
Identifiers: ClinVar variation 3222394 (VCV003222394.1), dbSNP rs148743922, ClinGen allele CA394847261.